The following is an entry in ClinVar:

ClinVar aggregate classification (germline): Pathogenic (0 of 4 stars; one submission).

Conditions:
Long QT syndrome 1 (LQT1). Identifiers: Orphanet 101016, Orphanet 768, MedGen C4551647, MONDO:0100316, OMIM 192500, MONDO:0008646.

Submission:

deCODE genetics, Amgen
Classification: Pathogenic for Long QT syndrome 1. Last evaluated: 2023-07-21. Review status: no assertion criteria provided. Collection method: research. Allele origin: germline. Affected: yes. Observed: 14 variant alleles.
Comment: The variant NM_000218.3:c.788del (chr11:2572852) in KCNQ1 was detected in 6 heterozygotes out of 58K WGS Icelanders (MAF= 0,005%). Following imputation in a set of 166K Icelanders (14 imputed heterozygotes) we observed an association with an elongation of the qt interval on ECG using measurements from 80068 individuals (Effect (SD)= 1.46, P= 4.68e-04). This variant has not been reported in ClinVar previously. Based on ACMG criteria (PVS1, PS4) this variant classifies as pathogenic.

NM_000218.3(KCNQ1):c.788del (p.Ile263fs)

Gene: KCNQ1 (potassium voltage-gated channel subfamily Q member 1; plus strand). Cytogenetic location: 11p15.5.
Variant type: Deletion.
Coding change: c.788del on transcript NM_000218.3 (MANE Select); coding-DNA position 788, one base deleted (T; older notation c.788delT).
Protein change: p.Ile263fs; shifts the reading frame from isoleucine 263.
Molecular consequence: frameshift variant. On other transcripts: intron variant (1).
Genome position (GRCh38, 1-based): chr11:2,572,853, T deleted. VCF-style (leftmost placement, unchanged base first): chr11-2572852-AT-A. GRCh37 (hg19) VCF-style: chr11-2594082-AT-A.
Other names: c.788del, p.Ile263fs (NM_001406836.1); c.518del, p.Ile173fs (NM_001406837.1); c.407del, p.Ile136fs (NM_181798.2); c.478-10582del (NM_001406838.1); short protein forms I136fs, I173fs, I263fs.
Identifiers: ClinVar variation 2574107 (VCV002574107.1), dbSNP rs1564821091, ClinGen allele CA918805527.